The following is an entry in ClinVar:

ClinVar aggregate classification (germline): Uncertain significance (1 of 4 stars; one submission).

Conditions:
Idiopathic generalized epilepsy. Also called: EIG; Generalised epilepsy. Identifiers: MedGen C0270850, MONDO:0005579, OMIM 600669.
Hyperaldosteronism, familial, type IV (HALD4). Also called: FH IV; ALDOSTERONISM, PRIMARY, AND HYPERTENSION. Identifiers: Orphanet 642671, MedGen C4310756, MONDO:0014875, OMIM 617027.

Allele frequency attached by ClinVar (database versions not stated): gnomAD exomes below 0.00001; TOPMed 0.00001.
gnomAD v4.1: 4 of 1,549,700 alleles (0.00026%); highest among the groups gnomAD compares: South Asian, 0.0012%; no homozygotes.

Submission:

Labcorp Genetics (formerly Invitae), Labcorp
Classification: Uncertain significance for Idiopathic generalized epilepsy; Hyperaldosteronism, familial, type IV. Last evaluated: 2019-07-18. Review status: criteria provided, single submitter. Criteria: Invitae Variant Classification Sherloc (09022015). Collection method: clinical testing. Allele origin: germline.
Comment: In summary, the available evidence is currently insufficient to determine the role of this variant in disease. Therefore, it has been classified as a Variant of Uncertain Significance. Algorithms developed to predict the effect of missense changes on protein structure and function are either unavailable or do not agree on the potential impact of this missense change (SIFT: "Deleterious"; PolyPhen-2: "Benign"; Align-GVGD: "Class C0"). This variant has not been reported in the literature in individuals with CACNA1H-related conditions. This variant is not present in population databases (ExAC no frequency). This sequence change replaces histidine with arginine at codon 1969 of the CACNA1H protein (p.His1969Arg). The histidine residue is moderately conserved and there is a small physicochemical difference between histidine and arginine.

NM_021098.3(CACNA1H):c.5906A>G (p.His1969Arg)

Gene: CACNA1H (calcium voltage-gated channel subunit alpha1 H; plus strand). Cytogenetic location: 16p13.3.
Variant type: single nucleotide variant.
Coding change: c.5906A>G on transcript NM_021098.3 (MANE Select); coding-DNA position 5906, A replaced by G.
Protein change: p.His1969Arg; replaces histidine 1969 with arginine.
Molecular consequence: missense variant.
Genome position (GRCh38, 1-based): chr16:1,218,988, A>G. VCF-style: chr16-1218988-A-G. GRCh37 (hg19) VCF-style: chr16-1268988-A-G.
Other names: c.5888A>G, p.His1963Arg (NM_001005407.2); short protein forms H1969R, H1963R.
Identifiers: ClinVar variation 956613 (VCV000956613.9), dbSNP rs996694379, ClinGen allele CA276612931.